The following is an entry in ClinVar:

ClinVar aggregate classification (germline): Uncertain significance (1 of 4 stars; one submission).

Allele frequency attached by ClinVar (database versions not stated): ExAC 0.00003.
gnomAD v4.1: 25 of 1,613,830 alleles (0.0015%); highest among the groups gnomAD compares: South Asian, 0.0088%; no homozygotes.

Submission:

Labcorp Genetics (formerly Invitae), Labcorp
Classification: Uncertain significance. Last evaluated: 2022-09-09. Review status: criteria provided, single submitter. Criteria: Invitae Variant Classification Sherloc (09022015). Collection method: clinical testing. Allele origin: germline.
Comment: This sequence change replaces alanine, which is neutral and non-polar, with valine, which is neutral and non-polar, at codon 530 of the USP7 protein (p.Ala530Val). This variant is present in population databases (rs763719614, gnomAD 0.006%). This variant has not been reported in the literature in individuals affected with USP7-related conditions. Algorithms developed to predict the effect of missense changes on protein structure and function (SIFT, PolyPhen-2, Align-GVGD) all suggest that this variant is likely to be tolerated. In summary, the available evidence is currently insufficient to determine the role of this variant in disease. Therefore, it has been classified as a Variant of Uncertain Significance.

NM_003470.3(USP7):c.1589C>T (p.Ala530Val)

Gene: USP7 (ubiquitin specific peptidase 7; minus strand). Cytogenetic location: 16p13.2.
Variant type: single nucleotide variant.
Coding change: c.1589C>T on transcript NM_003470.3 (MANE Select); coding-DNA position 1589, C replaced by T.
Protein change: p.Ala530Val; replaces alanine 530 with valine.
Molecular consequence: missense variant.
Genome position (GRCh38, 1-based): chr16:8,904,550, G>A on the plus strand (C>T on the coding strand, the complement: USP7 is on the minus strand). VCF-style: chr16-8904550-G-A. GRCh37 (hg19) VCF-style: chr16-8998407-G-A.
Other names: c.1541C>T, p.Ala514Val (NM_001286457.2); c.1292C>T, p.Ala431Val (NM_001286458.2); c.1415C>T, p.Ala472Val (NM_001321858.2); short protein forms A472V, A514V, A530V, A431V.
Identifiers: ClinVar variation 2102937 (VCV002102937.4), dbSNP rs763719614, ClinGen allele CA7895339.
Genomic context (GRCh38, chr16:8,904,550, plus strand): 5'-ATCCTTTTCTCTTCTTGTAATCGCTCCACCAACTGCTGAGGAATATCATGGTCGGTGACC[G>A]CCTGTAAAACTTCACCTGCAGGACAAAGGCATCCTCTTTGACCCCTGCAGATGGACTTTC-3'
Protein context (NP_003461.2, residues 520-540): RESKLSEVLQ[Ala530Val]VTDHDIPQQL